The following is an entry in ClinVar:

ClinVar aggregate classification (germline): Uncertain significance. Review status: criteria provided, multiple submitters, no conflicts (2 of 4 stars). 2 submissions from 2 submitters: Uncertain significance (2). Last evaluated 2026-05-21.

Submissions (2):

Women's Health and Genetics/Laboratory Corporation of America, LabCorp
Classification: Uncertain significance. Last evaluated: 2026-05-21. Review status: criteria provided, single submitter. Criteria: LabCorp Variant Classification Summary - May 2015. Collection method: clinical testing. Allele origin: germline.
Comment: Variant summary: GRIN2D c.3355G>A (p.Glu1119Lys) results in a conservative amino acid change in the encoded protein sequence. Algorithms developed to predict the effect of missense changes on protein structure and function all suggest that this variant is likely to be tolerated. The variant was absent in 171626 control chromosomes. The available data on variant occurrences in the general population are insufficient to allow any conclusion about variant significance. To our knowledge, no occurrence of c.3355G>A in individuals affected with GRIN2D-related conditions and no experimental evidence demonstrating its impact on protein function have been reported. ClinVar contains an entry for this variant (Variation ID: 2864823). Based on the evidence outlined above, the variant was classified as uncertain significance.

Labcorp Genetics (formerly Invitae), Labcorp
Classification: Uncertain significance. Last evaluated: 2023-11-04. Review status: criteria provided, single submitter. Criteria: Invitae Variant Classification Sherloc (09022015). Collection method: clinical testing. Allele origin: germline.
Comment: This sequence change replaces glutamic acid, which is acidic and polar, with lysine, which is basic and polar, at codon 1119 of the GRIN2D protein (p.Glu1119Lys). This variant is not present in population databases (gnomAD no frequency). This variant has not been reported in the literature in individuals affected with GRIN2D-related conditions. Advanced modeling of protein sequence and biophysical properties (such as structural, functional, and spatial information, amino acid conservation, physicochemical variation, residue mobility, and thermodynamic stability) performed at Invitae indicates that this missense variant is not expected to disrupt GRIN2D protein function with a negative predictive value of 95%. In summary, the available evidence is currently insufficient to determine the role of this variant in disease. Therefore, it has been classified as a Variant of Uncertain Significance.

NM_000836.4(GRIN2D):c.3355G>A (p.Glu1119Lys)

Gene: GRIN2D (glutamate ionotropic receptor NMDA type subunit 2D; plus strand). Cytogenetic location: 19q13.33.
Variant type: single nucleotide variant.
Coding change: c.3355G>A on transcript NM_000836.4 (MANE Select); coding-DNA position 3355, G replaced by A.
Protein change: p.Glu1119Lys; replaces glutamic acid 1119 with lysine.
Molecular consequence: missense variant.
Genome position (GRCh38, 1-based): chr19:48,443,281, G>A. VCF-style: chr19-48443281-G-A. GRCh37 (hg19) VCF-style: chr19-48946538-G-A.
Other names: short protein forms E1119K.
Identifiers: ClinVar variation 2864823 (VCV002864823.4), dbSNP rs2513693097, ClinGen allele CA406675783.
Genomic context (GRCh38, chr19:48,443,281, plus strand): 5'-GCGCCGCCCCCGTGCCCTTACCTCGATCTCGAGCCGTCGCCGTCGGACTCGGAGGACTCG[G>A]AGAGCCTGGGCGGCGCGTCGCTGGGCGGCCTGGAGCCCTGGTGGTTCGCCGACTTCCCTT-3'
Protein context (NP_000827.2, residues 1109-1129): EPSPSDSEDS[Glu1119Lys]SLGGASLGGL